The following is an entry in ClinVar:

NM_001330677.2(TBX15):c.1670A>T (p.Tyr557Phe)

Gene: TBX15 (T-box transcription factor 15; minus strand). Cytogenetic location: 1p12.
Variant type: single nucleotide variant.
Coding change: c.1670A>T on transcript NM_001330677.2 (MANE Select); coding-DNA position 1670, A replaced by T.
Protein change: p.Tyr557Phe; replaces tyrosine 557 with phenylalanine.
Molecular consequence: missense variant.
Genome position (GRCh38, 1-based): chr1:118,884,871, T>A on the plus strand (A>T on the coding strand, the complement: TBX15 is on the minus strand). VCF-style: chr1-118884871-T-A. GRCh37 (hg19) VCF-style: chr1-119427494-T-A.
Other names: c.1352A>T, p.Tyr451Phe (NM_152380.3); short protein forms Y451F, Y557F.
Identifiers: ClinVar variation 2106426 (VCV002106426.1), dbSNP rs1571141808, ClinGen allele CA341432020.

ClinVar aggregate classification (germline): Uncertain significance (1 of 4 stars; one submission).

Submission:

Labcorp Genetics (formerly Invitae), Labcorp
Classification: Uncertain significance. Last evaluated: 2022-08-08. Review status: criteria provided, single submitter. Criteria: Invitae Variant Classification Sherloc (09022015). Collection method: clinical testing. Allele origin: germline.
Comment: This sequence change replaces tyrosine, which is neutral and polar, with phenylalanine, which is neutral and non-polar, at codon 451 of the TBX15 protein (p.Tyr451Phe). This variant is not present in population databases (gnomAD no frequency). This variant has not been reported in the literature in individuals affected with TBX15-related conditions. Algorithms developed to predict the effect of missense changes on protein structure and function are either unavailable or do not agree on the potential impact of this missense change (SIFT: "Deleterious"; PolyPhen-2: "Probably Damaging"; Align-GVGD: "Class C0"). In summary, the available evidence is currently insufficient to determine the role of this variant in disease. Therefore, it has been classified as a Variant of Uncertain Significance.